The following continues an entry in ClinVar:

NM_001267550.2(TTN):c.63439G>A (p.Ala21147Thr)

ClinVar aggregate classification (germline): Conflicting classifications of pathogenicity. Uncertain significance (6); Benign (7); Likely benign (6).

Submissions 14 to 25 of 25:

Illumina Laboratory Services, Illumina
Classification: Benign for Myopathy, myofibrillar, 9, with early respiratory failure. Last evaluated: 2017-04-28. Review status: criteria provided, single submitter. Criteria: ICSL Variant Classification Criteria 13 December 2019. Collection method: clinical testing. Allele origin: germline.
Comment: This variant was observed as part of a predisposition screen in an ostensibly healthy population. A literature search was performed for the gene, cDNA change, and amino acid change (where applicable). Publications were found based on this search. The evidence from the literature, in combination with allele frequency data from public databases where available, was sufficient to rule this variant out of causing disease. Therefore, this variant is classified as benign.

Illumina Laboratory Services, Illumina
Classification: Uncertain significance for Early-onset myopathy with fatal cardiomyopathy. Last evaluated: 2017-04-28. Review status: criteria provided, single submitter. Criteria: ICSL Variant Classification Criteria 13 December 2019. Collection method: clinical testing. Allele origin: germline.
Comment: This variant was observed as part of a predisposition screen in an ostensibly healthy population. A literature search was performed for the gene, cDNA change, and amino acid change (where applicable). Publications were found based on this search. However, the evidence from the literature, in combination with allele frequency data from public databases where available, was not sufficient to rule this variant in or out of causing disease. Therefore, this variant is classified as a variant of unknown significance.

Illumina Laboratory Services, Illumina
Classification: Uncertain significance for Dilated cardiomyopathy 1G. Last evaluated: 2017-04-28. Review status: criteria provided, single submitter. Criteria: ICSL Variant Classification Criteria 13 December 2019. Collection method: clinical testing. Allele origin: germline.
Comment: This variant was observed as part of a predisposition screen in an ostensibly healthy population. A literature search was performed for the gene, cDNA change, and amino acid change (where applicable). Publications were found based on this search. However, the evidence from the literature, in combination with allele frequency data from public databases where available, was not sufficient to rule this variant in or out of causing disease. Therefore, this variant is classified as a variant of unknown significance.

Illumina Laboratory Services, Illumina
Classification: Benign for Tibial muscular dystrophy. Last evaluated: 2017-04-28. Review status: criteria provided, single submitter. Criteria: ICSL Variant Classification Criteria 13 December 2019. Collection method: clinical testing. Allele origin: germline.
Comment: the same text as in the submission from Illumina Laboratory Services, Illumina above.

Eurofins Ntd Llc (ga)
Classification: Uncertain significance. Last evaluated: 2016-09-02. Review status: criteria provided, single submitter. Criteria: EGL Classification Definitions 2015. Collection method: clinical testing. Allele origin: germline. Observed: 4 variant alleles, 4 heterozygotes.

Genetics and Genomics Program, Sidra Medicine
Classification: Uncertain significance for Primary dilated cardiomyopathy. Review status: criteria provided, single submitter. Criteria: ACMG Guidelines, 2015. Collection method: research. Allele origin: unknown. Affected: yes. Observed: 1 variant allele.

PreventionGenetics, part of Exact Sciences
Classification: Likely benign for TTN-related condition. Last evaluated: 2024-08-26. Review status: no assertion criteria provided. Collection method: clinical testing. Allele origin: germline. Not counted in ClinVar's aggregate classification.
Comment: This variant is classified as likely benign based on ACMG/AMP sequence variant interpretation guidelines (Richards et al. 2015 PMID: 25741868, with internal and published modifications).

Clinical Genetics DNA and cytogenetics Diagnostics Lab, Erasmus MC, Erasmus Medical Center
Classification: Likely benign. Review status: no assertion criteria provided. Collection method: clinical testing. Allele origin: germline. Affected: yes. Study: VKGL Data-share Consensus. Not counted in ClinVar's aggregate classification.

Clinical Genetics, Academic Medical Center
Classification: Benign. Review status: no assertion criteria provided. Collection method: clinical testing. Allele origin: germline. Affected: yes. Study: VKGL Data-share Consensus. Not counted in ClinVar's aggregate classification.

Genome Diagnostics Laboratory, University Medical Center Utrecht
Classification: Likely benign. Review status: no assertion criteria provided. Collection method: clinical testing. Allele origin: germline. Affected: yes. Study: VKGL Data-share Consensus. Not counted in ClinVar's aggregate classification.

Joint Genome Diagnostic Labs from Nijmegen and Maastricht, Radboudumc and MUMC+
Classification: Likely benign. Review status: no assertion criteria provided. Collection method: clinical testing. Allele origin: germline. Affected: yes. Study: VKGL Data-share Consensus. Not counted in ClinVar's aggregate classification.

Laboratory of Diagnostic Genome Analysis, Leiden University Medical Center (LUMC)
Classification: Likely benign. Review status: no assertion criteria provided. Collection method: clinical testing. Allele origin: germline. Affected: yes. Study: VKGL Data-share Consensus. Not counted in ClinVar's aggregate classification.

Literature cited by the submitters: PubMed 29892087 (cited by Women's Health and Genetics/Laboratory Corporation of America, LabCorp and Athena Diagnostics); PubMed 21810661 (cited by Women's Health and Genetics/Laboratory Corporation of America, LabCorp and Laboratory for Molecular Medicine, Mass General Brigham Personalized Medicine); PubMed 34137518 (cited by Women's Health and Genetics/Laboratory Corporation of America, LabCorp); PubMed 31402444 (cited by Athena Diagnostics); PubMed 25214167 (cited by Athena Diagnostics); PubMed 26516846 (cited by Athena Diagnostics); PubMed 27532257 (cited by Athena Diagnostics); PubMed 37091313 (cited by Practice for Gait Abnormalities, David Pomarino, Competency Network Toe Walking C/o Practice Pomarino); PubMed 23299917 (cited by Laboratory for Molecular Medicine, Mass General Brigham Personalized Medicine and Illumina Laboratory Services, Illumina).